The following is an entry in ClinVar:

NM_000133.4(F9):c.1257G>T (p.Val419=)

Gene: F9 (coagulation factor IX; plus strand). Cytogenetic location: Xq27.1.
Variant type: single nucleotide variant.
Coding change: c.1257G>T on transcript NM_000133.4 (MANE Select); coding-DNA position 1257, G replaced by T.
Protein change: p.Val419=; no amino-acid change (valine 419 retained).
Molecular consequence: synonymous variant.
Genome position (GRCh38, 1-based): chrX:139,561,942, G>T. VCF-style: chrX-139561942-G-T. GRCh37 (hg19) VCF-style: chrX-138644101-G-T.
Other names: c.1143G>T, p.Val381= (NM_001313913.2).
Identifiers: ClinVar variation 696202 (VCV000696202.14), dbSNP rs61731481, ClinGen allele CA10529882.
Genomic context (GRCh38, chrX:139,561,942, plus strand): 5'-CCATGAAGGAGGTAGAGATTCATGTCAAGGAGATAGTGGGGGACCCCATGTTACTGAAGT[G>T]GAAGGGACCAGTTTCTTAACTGGAATTATTAGCTGGGGTGAAGAGTGTGCAATGAAAGGC-3'
Protein context (NP_000124.1, residues 409-429): GDSGGPHVTE[Val419=]EGTSFLTGII

ClinVar aggregate classification (germline): Benign/Likely benign. Review status: criteria provided, multiple submitters, no conflicts (2 of 4 stars). 4 submissions from 4 submitters: Benign (1); Likely benign (1). 2 of the submissions do not count toward it. Last evaluated 2026-01-19.

Conditions:
F9-related disorder. Also called: F9-related condition.
Hereditary factor IX deficiency disease (HEMB). Also called: F9 DEFICIENCY; FACTOR IX DEFICIENCY; PLASMA THROMBOPLASTIN COMPONENT DEFICIENCY; Hemophilia B; Christmas Disease. Identifiers: Orphanet 98879, MedGen C0008533, MeSH D002836, MONDO:0010604, OMIM 306900.
Thrombophilia, X-linked, due to factor 9 defect. Identifiers: MedGen C2749016, MONDO:0010432, OMIM 300807.

Allele frequency attached by ClinVar (database versions not stated): gnomAD exomes 0.00007 and 0.00028; ExAC 0.00031; 1000 Genomes Project 0.00079; gnomAD 0.00096 and 0.00100; TOPMed 0.00113; ESP Exome Variant Server 0.00114; 1000 Genomes Project 30x 0.00125.
gnomAD v4.1: 189 of 1,210,131 alleles (0.016%); highest among the groups gnomAD compares: African/African-American, 0.28%; 1 homozygote.

Submissions (4):

Labcorp Genetics (formerly Invitae), Labcorp
Classification: Benign for Thrombophilia, X-linked, due to factor 9 defect; Hereditary factor IX deficiency disease. Last evaluated: 2026-01-19. Review status: criteria provided, single submitter. Criteria: Invitae Variant Classification Sherloc (09022015). Collection method: clinical testing. Allele origin: germline.

Blueprint Genetics
Classification: Likely benign. Last evaluated: 2024-07-18. Review status: criteria provided, single submitter. Criteria: ACMG Guidelines, 2015. Collection method: clinical testing. Allele origin: germline.

Natera, Inc.
Classification: Benign for Hemophilia B. Last evaluated: 2020-09-16. Review status: no assertion criteria provided. Collection method: clinical testing. Allele origin: germline. Not counted in ClinVar's aggregate classification.

PreventionGenetics, part of Exact Sciences
Classification: Likely benign for F9-related condition. Last evaluated: 2019-05-02. Review status: no assertion criteria provided. Collection method: clinical testing. Allele origin: germline. Not counted in ClinVar's aggregate classification.
Comment: This variant is classified as likely benign based on ACMG/AMP sequence variant interpretation guidelines (Richards et al. 2015 PMID: 25741868, with internal and published modifications).